The following is an entry in ClinVar:

ClinVar aggregate classification (germline): Benign. Review status: criteria provided, multiple submitters, no conflicts (2 of 4 stars). 3 submissions from 3 submitters: Benign (3). Last evaluated 2026-02-04.

Conditions:
Progressive pseudorheumatoid dysplasia (PPRD). Also called: Progressive Pseudorheumatoid Arthropathy of Childhood; SPONDYLOEPIPHYSEAL DYSPLASIA TARDA WITH PROGRESSIVE ARTHROPATHY. Identifiers: Orphanet 1159, MedGen C0432215, MONDO:0008827, OMIM 208230. Disease mechanism: loss of function.

Allele frequency attached by ClinVar (database versions not stated): 1000 Genomes Project 0.02456; 1000 Genomes Project 30x 0.02514; ExAC 0.04229; gnomAD exomes 0.04270 and 0.05757; gnomAD 0.04300 and 0.04415; TOPMed 0.04441; ESP Exome Variant Server 0.04637.
gnomAD v4.1: 90,546 of 1,613,014 alleles (5.6%); highest among the groups gnomAD compares: Middle Eastern, 7.6%; 2,857 homozygotes.

Submissions (3):

Labcorp Genetics (formerly Invitae), Labcorp
Classification: Benign. Last evaluated: 2026-02-04. Review status: criteria provided, single submitter. Criteria: Invitae Variant Classification Sherloc (09022015). Collection method: clinical testing. Allele origin: germline.

GeneDx
Classification: Benign. Last evaluated: 2021-05-05. Review status: criteria provided, single submitter. Criteria: GeneDx Variant Classification Process June 2021. Collection method: clinical testing. Allele origin: germline. Affected: yes.

Illumina Laboratory Services, Illumina
Classification: Benign for Progressive pseudorheumatoid dysplasia. Last evaluated: 2018-01-13. Review status: criteria provided, single submitter. Criteria: ICSL Variant Classification Criteria 13 December 2019. Collection method: clinical testing. Allele origin: germline.
Comment: This variant was observed in the ICSL laboratory as part of a predisposition screen in an ostensibly healthy population. It had not been previously curated by ICSL or reported in the Human Gene Mutation Database (HGMD: prior to June 1st, 2018), and was therefore a candidate for classification through an automated scoring system. Utilizing variant allele frequency, disease prevalence and penetrance estimates, and inheritance mode, an automated score was calculated to assess if this variant is too frequent to cause the disease. Based on the score and internal cut-off values, a variant classified as benign is not then subjected to further curation. The score for this variant resulted in a classification of benign for this disease.

NM_198239.2(CCN6):c.807A>G (p.Gln269=)

Gene: CCN6 (cellular communication network factor 6; plus strand). Cytogenetic location: 6q21.
Variant type: single nucleotide variant.
Coding change: c.807A>G on transcript NM_198239.2 (MANE Select); coding-DNA position 807, A replaced by G.
Protein change: p.Gln269=; no amino-acid change (glutamine 269 retained).
Molecular consequence: synonymous variant. On other transcripts: non-coding transcript variant (2).
Genome position (GRCh38, 1-based): chr6:112,069,362, A>G. VCF-style: chr6-112069362-A-G. GRCh37 (hg19) VCF-style: chr6-112390565-A-G.
Other names: c.807A>G, p.Gln269= (NM_003880.4).
Identifiers: ClinVar variation 355065 (VCV000355065.14), dbSNP rs17219737, ClinGen allele CA3964112.
Genomic context (GRCh38, chr6:112,069,362, plus strand): 5'-AATTTAAAGAATGACTTCATTTTATCTATCTTTTCAGATTCCCAAAGGAAAAACATGCCA[A>G]CCTACTTTCCAACTCTCCAAAGCTGAAAAATTTGTCTTTTCTGGATGCTCAAGTACTCAG-3'
Protein context (NP_937882.2, residues 259-279): TIKIPKGKTC[Gln269=]PTFQLSKAEK